The following is an entry in ClinVar:

ClinVar aggregate classification (germline): Pathogenic (1 of 4 stars; one submission).

Conditions:
Recessive dystrophic epidermolysis bullosa (RDEB). Also called: DYSTROPHIC EPIDERMOLYSIS BULLOSA, AUTOSOMAL RECESSIVE; EPIDERMOLYSIS BULLOSA DYSTROPHICA, HALLOPEAU-SIEMENS TYPE; Hallopeau-Siemens Disease; severe generalized recessive dystrophic epidermolysis bullosa; EPIDERMOLYSIS BULLOSA DYSTROPHICA, GENERALIZED SEVERE, AUTOSOMAL RECESSIVE; Epidermolysis Bullosa Distrophica Autosomal Recessive (RDEB). Identifiers: Orphanet 79408, Orphanet 79409, MedGen C0079474, MONDO:0009179, OMIM 226600.

Submission:

Myriad Genetics, Inc.
Classification: Pathogenic for Recessive dystrophic epidermolysis bullosa. Last evaluated: 2026-04-10. Review status: criteria provided, single submitter. Criteria: Myriad Autosomal Dominant, Autosomal Recessive and X-Linked Classification Criteria (2023). Collection method: clinical testing. Allele origin: unknown.
Comment: NM_000094.3(COL7A1):c.2638delG(E880Sfs*4) is expected to be pathogenic in the context of dystrophic epidermolysis bullosa. This variant is predicted to lead to an abnormal or absent protein product due to the creation of a premature termination codon in COL7A1, a gene where loss-of-function variants are known to be pathogenic. Please note: this variant was assessed in the context of healthy population screening.

NM_000094.4(COL7A1):c.2638del (p.Glu880fs)

Gene: COL7A1 (collagen type VII alpha 1 chain; minus strand). Cytogenetic location: 3p21.31.
Variant type: Deletion.
Coding change: c.2638del on transcript NM_000094.4 (MANE Select); coding-DNA position 2638, one base deleted (G; older notation c.2638delG).
Protein change: p.Glu880fs; shifts the reading frame from glutamic acid 880.
Molecular consequence: frameshift variant.
Genome position (GRCh38, 1-based): chr3:48,588,354, C deleted on the plus strand (G on the coding strand, the reverse complement: COL7A1 is on the minus strand); the first of 4 consecutive C bases (chr3:48,588,354-48,588,357); deleting any one gives the same sequence. VCF-style (leftmost placement, unchanged base first): chr3-48588353-TC-T. GRCh37 (hg19) VCF-style: chr3-48625786-TC-T.
Other names: short protein forms E880fs.
Identifiers: ClinVar variation 5015783 (VCV005015783.1).